The following is an entry in ClinVar:

NM_014946.4(SPAST):c.207_222dup (p.Phe75fs)

Gene: SPAST (spastin; plus strand). Cytogenetic location: 2p22.3.
Variant type: Duplication.
Coding change: c.207_222dup on transcript NM_014946.4 (MANE Select); coding-DNA positions 207 to 222, 16 bases duplicated (CCACCTGGGGCTCCTC).
Protein change: p.Phe75fs; shifts the reading frame from phenylalanine 75.
Molecular consequence: frameshift variant.
Genome position (GRCh38, 1-based): chr2:32,064,038-32,064,053, CCACCTGGGGCTCCTC duplicated. VCF-style (leftmost placement, unchanged base first): chr2-32064037-T-TCCACCTGGGGCTCCTC. GRCh37 (hg19) VCF-style: chr2-32289106-T-TCCACCTGGGGCTCCTC.
Other names: c.207_222dup, p.Phe75fs (NM_001363823.2, NM_001363875.2, NM_001377959.1 and 1 more transcripts); short protein forms F75fs.
Identifiers: ClinVar variation 2846138 (VCV002846138.3), dbSNP rs2465681362, ClinGen allele CA2739274304.

ClinVar aggregate classification (germline): Pathogenic (1 of 4 stars; one submission).

Conditions:
Hereditary spastic paraplegia 4. Also called: Spastic Paraplegia 4; Spastic paraplegia 4, autosomal dominant; Familial spastic paraplegia autosomal dominant 2. Identifiers: Orphanet 100985, MedGen C1866855, MONDO:0008438, OMIM 182601.

Submission:

Labcorp Genetics (formerly Invitae), Labcorp
Classification: Pathogenic for Hereditary spastic paraplegia 4. Last evaluated: 2025-02-11. Review status: criteria provided, single submitter. Criteria: Invitae Variant Classification Sherloc (09022015). Collection method: clinical testing. Allele origin: germline.
Comment: This sequence change creates a premature translational stop signal (p.Phe75Profs*66) in the SPAST gene. It is expected to result in an absent or disrupted protein product. Loss-of-function variants in SPAST are known to be pathogenic (PMID: 20932283). This variant is not present in population databases (gnomAD no frequency). This variant has not been reported in the literature in individuals affected with SPAST-related conditions. ClinVar contains an entry for this variant (Variation ID: 2846138). For these reasons, this variant has been classified as Pathogenic.

Literature cited by the submitters: PubMed 20932283.